The following is an entry in ClinVar:

NM_015910.7(WDPCP):c.1471A>G (p.Ile491Val)

Gene: WDPCP (WD repeat containing planar cell polarity effector; minus strand). Cytogenetic location: 2p15.
Variant type: single nucleotide variant.
Coding change: c.1471A>G on transcript NM_015910.7 (MANE Select); coding-DNA position 1471, A replaced by G.
Protein change: p.Ile491Val; replaces isoleucine 491 with valine.
Molecular consequence: missense variant. On other transcripts: non-coding transcript variant (3).
Genome position (GRCh38, 1-based): chr2:63,382,059, T>C on the plus strand (A>G on the coding strand, the complement: WDPCP is on the minus strand). VCF-style: chr2-63382059-T-C. GRCh37 (hg19) VCF-style: chr2-63609194-T-C.
Other names: c.1471A>G (NM_015910.5); c.994A>G, p.Ile332Val (NM_001042692.3); c.1399A>G, p.Ile467Val (NM_001354044.2); c.1471A>G, p.Ile491Val (NM_001354045.2); short protein forms I332V, I467V, I491V.
Identifiers: ClinVar variation 1406779 (VCV001406779.4), dbSNP rs1160883774, ClinGen allele CA347063600.

ClinVar aggregate classification (germline): Uncertain significance. Review status: criteria provided, single submitter (1 of 4 stars). 2 submissions from 2 submitters: Uncertain significance (1). 1 of the submissions does not count toward it. Last evaluated 2022-03-04.

Conditions:
WDPCP-related disorder. Also called: WDPCP-related condition.
Bardet-Biedl syndrome (BBS). Identifiers: Orphanet 110, MedGen C0752166, MONDO:0015229.

Allele frequency attached by ClinVar (database versions not stated): gnomAD exomes below 0.00001.
gnomAD v4.1: 7 of 1,613,324 alleles (0.00043%); highest among the groups gnomAD compares: Non-Finnish European, 0.00059%; no homozygotes.

Submissions (2):

Labcorp Genetics (formerly Invitae), Labcorp
Classification: Uncertain significance for Bardet-Biedl syndrome. Last evaluated: 2022-03-04. Review status: criteria provided, single submitter. Criteria: Invitae Variant Classification Sherloc (09022015). Collection method: clinical testing. Allele origin: germline.
Comment: This sequence change replaces isoleucine, which is neutral and non-polar, with valine, which is neutral and non-polar, at codon 491 of the WDPCP protein (p.Ile491Val). This variant is present in population databases (no rsID available, gnomAD 0.0009%). This variant has not been reported in the literature in individuals affected with WDPCP-related conditions. Algorithms developed to predict the effect of missense changes on protein structure and function output the following: SIFT: "Tolerated"; PolyPhen-2: "Benign"; Align-GVGD: "Class C0". The valine amino acid residue is found in multiple mammalian species, which suggests that this missense change does not adversely affect protein function. In summary, the available evidence is currently insufficient to determine the role of this variant in disease. Therefore, it has been classified as a Variant of Uncertain Significance.

PreventionGenetics, part of Exact Sciences
Classification: Uncertain significance for WDPCP-related condition. Last evaluated: 2024-08-07. Review status: no assertion criteria provided. Collection method: clinical testing. Allele origin: germline. Not counted in ClinVar's aggregate classification.
Comment: The WDPCP c.1471A>G variant is predicted to result in the amino acid substitution p.Ile491Val. To our knowledge, this variant has not been reported in the literature. This variant is reported in 0.00089% of alleles in individuals of European (Non-Finnish) descent in gnomAD. At this time, the clinical significance of this variant is uncertain due to the absence of conclusive functional and genetic evidence.